The following is an entry in ClinVar:

NM_153682.3(PIGP):c.62T>C (p.Leu21Ser)

Gene: PIGP (phosphatidylinositol glycan anchor biosynthesis class P; minus strand). Cytogenetic location: 21q22.13.
Variant type: single nucleotide variant.
Coding change: c.62T>C on transcript NM_153682.3 (MANE Select); coding-DNA position 62, T replaced by C.
Protein change: p.Leu21Ser; replaces leucine 21 with serine.
Molecular consequence: missense variant. On other transcripts: 5 prime UTR variant (1).
Genome position (GRCh38, 1-based): chr21:37,072,454, A>G on the plus strand (T>C on the coding strand, the complement: PIGP is on the minus strand). VCF-style: chr21-37072454-A-G. GRCh37 (hg19) VCF-style: chr21-38444754-A-G.
Other names: c.62T>C, p.Leu21Ser (NM_001320480.2); c.-183T>C (NM_016430.4); c.134T>C, p.Leu45Ser (NM_153681.2); short protein forms L45S, L21S.
Identifiers: ClinVar variation 2131707 (VCV002131707.4), dbSNP rs1442883794, ClinGen allele CA409921256.

ClinVar aggregate classification (germline): Uncertain significance (1 of 4 stars; one submission).

Allele frequency attached by ClinVar (database versions not stated): TOPMed 0.00001.

Submission:

Labcorp Genetics (formerly Invitae), Labcorp
Classification: Uncertain significance. Last evaluated: 2022-11-01. Review status: criteria provided, single submitter. Criteria: Invitae Variant Classification Sherloc (09022015). Collection method: clinical testing. Allele origin: germline.
Comment: This sequence change replaces leucine, which is neutral and non-polar, with serine, which is neutral and polar, at codon 45 of the PIGP protein (p.Leu45Ser). This variant is not present in population databases (gnomAD no frequency). In summary, the available evidence is currently insufficient to determine the role of this variant in disease. Therefore, it has been classified as a Variant of Uncertain Significance. Algorithms developed to predict the effect of missense changes on protein structure and function (SIFT, PolyPhen-2, Align-GVGD) all suggest that this variant is likely to be disruptive. This variant has not been reported in the literature in individuals affected with PIGP-related conditions.